The following is an entry in ClinVar:

ClinVar aggregate classification (germline): Uncertain significance (1 of 4 stars; one submission).

Submission:

Labcorp Genetics (formerly Invitae), Labcorp
Classification: Uncertain significance. Last evaluated: 2022-08-23. Review status: criteria provided, single submitter. Criteria: Invitae Variant Classification Sherloc (09022015). Collection method: clinical testing. Allele origin: germline.
Comment: In summary, the available evidence is currently insufficient to determine the role of this variant in disease. Therefore, it has been classified as a Variant of Uncertain Significance. Algorithms developed to predict the effect of missense changes on protein structure and function are either unavailable or do not agree on the potential impact of this missense change (SIFT: "Tolerated"; PolyPhen-2: "Possibly Damaging"; Align-GVGD: "Class C0"). ClinVar contains an entry for this variant (Variation ID: 1434526). This variant has not been reported in the literature in individuals affected with SZT2-related conditions. This variant is not present in population databases (gnomAD no frequency). This sequence change replaces proline, which is neutral and non-polar, with serine, which is neutral and polar, at codon 176 of the SZT2 protein (p.Pro176Ser).

NM_001365999.1(SZT2):c.526C>T (p.Pro176Ser)

Gene: SZT2 (SZT2 subunit of KICSTOR complex; plus strand). Cytogenetic location: 1p34.2.
Variant type: single nucleotide variant.
Coding change: c.526C>T on transcript NM_001365999.1 (MANE Select); coding-DNA position 526, C replaced by T.
Protein change: p.Pro176Ser; replaces proline 176 with serine.
Molecular consequence: missense variant.
Genome position (GRCh38, 1-based): chr1:43,415,109, C>T. VCF-style: chr1-43415109-C-T. GRCh37 (hg19) VCF-style: chr1-43880780-C-T.
Other names: c.526C>T, p.Pro176Ser (NM_015284.4); short protein forms P176S.
Identifiers: ClinVar variation 1434526 (VCV001434526.8), dbSNP rs750818049, ClinGen allele CA340000724.
Genomic context (GRCh38, chr1:43,415,109, plus strand): 5'-GTCCTGTCTCAGTCTTTCCCATGTGCTTCTTAGGTGCTGGTACAGGGCTGCCTCTTGGAC[C>T]CTTCCCAGCGGGAGGTGTTCCTGCAGCAGATATATGAGCAGCTCTGCCTCTTTGAGGATA-3'
Protein context (NP_001352928.1, residues 166-186): QVLVQGCLLD[Pro176Ser]SQREVFLQQI